The following is an entry in ClinVar:

ClinVar aggregate classification (germline): Conflicting classifications of pathogenicity. Review status: criteria provided, conflicting classifications (1 of 4 stars). 3 submissions from 3 submitters: Uncertain significance (2); Likely benign (1). Last evaluated 2025-07-30.

Conditions:
Hereditary cancer-predisposing syndrome. Also called: Neoplastic Syndromes, Hereditary; Hereditary Cancer Syndrome; Tumor predisposition; Hereditary neoplastic syndrome. Identifiers: Orphanet 140162, MedGen C0027672, MeSH D009386, MONDO:0015356.

Allele frequency attached by ClinVar (database versions not stated): gnomAD 0.00001; TOPMed 0.00001; gnomAD exomes 0.00002; ExAC 0.00004; ESP Exome Variant Server 0.00008.
gnomAD v4.1: 20 of 1,560,710 alleles (0.0013%); highest among the groups gnomAD compares: Non-Finnish European, 0.0016%; no homozygotes.

Submissions (3):

Labcorp Genetics (formerly Invitae), Labcorp
Classification: Likely benign. Last evaluated: 2025-07-30. Review status: criteria provided, single submitter. Criteria: Invitae Variant Classification Sherloc (09022015). Collection method: clinical testing. Allele origin: germline.

Ambry Genetics
Classification: Uncertain significance for Hereditary cancer-predisposing syndrome. Last evaluated: 2024-05-21. Review status: criteria provided, single submitter. Criteria: Ambry Variant Classification Scheme 2023. Collection method: clinical testing. Allele origin: germline.
Comment: The c.1747+5G>A intronic variant results from a G to A substitution 5 nucleotides after coding exon 11 in the CTNNA1 gene. This nucleotide position is well conserved in available vertebrate species. In silico splice site analysis predicts that this alteration will not have any significant effect on splicing. The evidence for this gene-disease relationship is limited; therefore, the clinical significance of this alteration is unclear.

CeGaT Center for Human Genetics Tuebingen
Classification: Uncertain significance. Last evaluated: 2022-01-01. Review status: criteria provided, single submitter. Criteria: CeGaT Center For Human Genetics Tuebingen Variant Classification Criteria Version 2. Collection method: clinical testing. Allele origin: germline. Affected: yes. Observed: 1 variant allele.

NM_001903.5(CTNNA1):c.1747+5G>A

Gene: CTNNA1 (catenin alpha 1; plus strand). Cytogenetic location: 5q31.2.
Variant type: single nucleotide variant.
Coding change: c.1747+5G>A on transcript NM_001903.5 (MANE Select); 5 bases into the intron after coding-DNA position 1747, G replaced by A.
Molecular consequence: intron variant.
Genome position (GRCh38, 1-based): chr5:138,924,715, G>A. VCF-style: chr5-138924715-G-A. GRCh37 (hg19) VCF-style: chr5-138260404-G-A.
Other names: c.1747+5G>A (NM_001323982.2, NM_001323984.2, NM_001290307.3 and 2 more transcripts); c.1654+5G>A (NM_001323986.2); c.1378+5G>A (NM_001290310.3); c.1438+5G>A (NM_001290309.3); c.637+5G>A (NM_001323996.1, NM_001323993.1, NM_001324005.1 and 17 more transcripts); c.298+5G>A (NM_001324007.1, NM_001324009.1, NM_001324006.1 and 2 more transcripts); c.394+5G>A (NM_001324013.1, NM_001324012.1); c.544+5G>A (NM_001324011.1).
Identifiers: ClinVar variation 655943 (VCV000655943.44), dbSNP rs377182398, ClinGen allele CA3432014.